The following is an entry in ClinVar:

ClinVar aggregate classification (germline): Uncertain significance (1 of 4 stars; one submission).

Allele frequency attached by ClinVar (database versions not stated): gnomAD exomes 0.00001; TOPMed 0.00001; ExAC 0.00002; gnomAD 0.00003; 1000 Genomes Project 30x 0.00031; 1000 Genomes Project 0.00040.
gnomAD v4.1: 8 of 1,614,044 alleles (0.0005%); highest among the groups gnomAD compares: African/African-American, 0.0053%; no homozygotes.

Submission:

Labcorp Genetics (formerly Invitae), Labcorp
Classification: Uncertain significance. Last evaluated: 2023-03-20. Review status: criteria provided, single submitter. Criteria: Invitae Variant Classification Sherloc (09022015). Collection method: clinical testing. Allele origin: germline.
Comment: This sequence change replaces arginine, which is basic and polar, with glutamine, which is neutral and polar, at codon 547 of the CAD protein (p.Arg547Gln). This variant is present in population databases (rs561774560, gnomAD 0.01%). This variant has not been reported in the literature in individuals affected with CAD-related conditions. Advanced modeling of protein sequence and biophysical properties (such as structural, functional, and spatial information, amino acid conservation, physicochemical variation, residue mobility, and thermodynamic stability) performed at Invitae indicates that this missense variant is not expected to disrupt CAD protein function. In summary, the available evidence is currently insufficient to determine the role of this variant in disease. Therefore, it has been classified as a Variant of Uncertain Significance.

NM_004341.5(CAD):c.1640G>A (p.Arg547Gln)

Gene: CAD (carbamoyl-phosphate synthetase 2, aspartate transcarbamylase, and dihydroorotase; plus strand). Cytogenetic location: 2p23.3.
Variant type: single nucleotide variant.
Coding change: c.1640G>A on transcript NM_004341.5 (MANE Select); coding-DNA position 1640, G replaced by A.
Protein change: p.Arg547Gln; replaces arginine 547 with glutamine.
Molecular consequence: missense variant.
Genome position (GRCh38, 1-based): chr2:27,225,724, G>A. VCF-style: chr2-27225724-G-A. GRCh37 (hg19) VCF-style: chr2-27448592-G-A.
Other names: c.1640G>A, p.Arg547Gln (NM_001306079.2); short protein forms R547Q.
Identifiers: ClinVar variation 2972738 (VCV002972738.3), dbSNP rs561774560, ClinGen allele CA1572795.